The following is an entry in ClinVar:

ClinVar aggregate classification (germline): Uncertain significance (1 of 4 stars; one submission).

Submission:

Ambry Genetics
Classification: Uncertain significance. Last evaluated: 2023-06-08. Review status: criteria provided, single submitter. Criteria: Ambry Variant Classification Scheme 2023. Collection method: clinical testing. Allele origin: germline.
Comment: The p.C144S variant (also known as c.430T>A), located in coding exon 5 of the FAM175A gene, results from a T to A substitution at nucleotide position 430. The cysteine at codon 144 is replaced by serine, an amino acid with dissimilar properties. This amino acid position is conserved. In addition, this alteration is predicted to be tolerated by in silico analysis. Since supporting evidence is limited at this time, the clinical significance of this alteration remains unclear.

NM_139076.3(ABRAXAS1):c.430T>A (p.Cys144Ser)

Gene: ABRAXAS1 (abraxas 1, BRCA1 A complex subunit; minus strand). Cytogenetic location: 4q21.23.
Variant type: single nucleotide variant.
Coding change: c.430T>A on transcript NM_139076.3 (MANE Select); coding-DNA position 430, T replaced by A.
Protein change: p.Cys144Ser; replaces cysteine 144 with serine.
Molecular consequence: missense variant.
Genome position (GRCh38, 1-based): chr4:83,470,249, A>T on the plus strand (T>A on the coding strand, the complement: ABRAXAS1 is on the minus strand). VCF-style: chr4-83470249-A-T. GRCh37 (hg19) VCF-style: chr4-84391402-A-T.
Other names: c.103T>A, p.Cys35Ser (NM_001345962.2); short protein forms C144S, C35S.
Identifiers: ClinVar variation 2561765 (VCV002561765.2), dbSNP rs2529437972, ClinGen allele CA357259760.